The following is an entry in ClinVar:

NM_031471.6(FERMT3):c.607C>T (p.Pro203Ser)

Gene: FERMT3 (FERM domain containing kindlin 3; plus strand). Cytogenetic location: 11q13.1.
Variant type: single nucleotide variant.
Coding change: c.607C>T on transcript NM_031471.6 (MANE Select); coding-DNA position 607, C replaced by T.
Protein change: p.Pro203Ser; replaces proline 203 with serine.
Molecular consequence: missense variant.
Genome position (GRCh38, 1-based): chr11:64,211,367, C>T. VCF-style: chr11-64211367-C-T. GRCh37 (hg19) VCF-style: chr11-63978839-C-T.
Other names: c.607C>T, p.Pro203Ser (NM_001382361.1, NM_001382362.1, NM_001382448.1 and 1 more transcripts); c.67C>T, p.Pro23Ser (NM_001382363.1, NM_001382364.1); short protein forms P203S, P23S.
Identifiers: ClinVar variation 537727 (VCV000537727.15), dbSNP rs143873934, ClinGen allele CA6068818.

ClinVar aggregate classification (germline): Conflicting classifications of pathogenicity. Review status: criteria provided, conflicting classifications (1 of 4 stars). 4 submissions from 4 submitters: Uncertain significance (2); Likely benign (2). Last evaluated 2026-04-09.

Conditions:
Leukocyte adhesion deficiency 3. Also called: INTEGRIN ACTIVATION DEFICIENCY DISEASE; LEUKOCYTE ADHESION DEFICIENCY 1 VARIANT; Leukocyte adhesion deficiency, type III. Identifiers: Orphanet 2968, Orphanet 99844, MedGen C2748536, MONDO:0013016, OMIM 612840.
Inborn genetic diseases. Identifiers: MedGen C0950123, MeSH D030342.

Allele frequency attached by ClinVar (database versions not stated): gnomAD exomes 0.00007 and 0.00017; ExAC 0.00030; ESP Exome Variant Server 0.00054; gnomAD 0.00081 and 0.00086; 1000 Genomes Project 30x 0.00094; TOPMed 0.00097; 1000 Genomes Project 0.00100.
gnomAD v4.1: 229 of 1,610,400 alleles (0.014%); highest among the groups gnomAD compares: African/African-American, 0.25%; no homozygotes.

Submissions (4):

Women's Health and Genetics/Laboratory Corporation of America, LabCorp
Classification: Likely benign. Last evaluated: 2026-04-09. Review status: criteria provided, single submitter. Criteria: LabCorp Variant Classification Summary - May 2015. Collection method: clinical testing. Allele origin: germline.
Comment: Variant summary: FERMT3 c.607C>T (p.Pro203Ser) results in a non-conservative amino acid change in the encoded protein sequence. Algorithms developed to predict the effect of missense changes on protein structure and function are either unavailable or do not agree on the potential impact of this missense change. The variant allele was found at a frequency of 0.00017 in 239746 control chromosomes, predominantly at a frequency of 0.0024 within the African or African-American subpopulation in the gnomAD database. The observed variant frequency within African or African-American control individuals in the gnomAD database exceeds the estimated maximal expected allele frequency for disease-causing variants in FERMT3. To our knowledge, no occurrence of c.607C>T in individuals affected with FERMT3-related conditions and no experimental evidence demonstrating its impact on protein function have been reported. ClinVar contains an entry for this variant (Variation ID: 537727). Based on the evidence outlined above, the variant was classified as likely benign.

Labcorp Genetics (formerly Invitae), Labcorp
Classification: Likely benign for Leukocyte adhesion deficiency 3. Last evaluated: 2026-01-27. Review status: criteria provided, single submitter. Criteria: Invitae Variant Classification Sherloc (09022015). Collection method: clinical testing. Allele origin: germline.

Blueprint Genetics
Classification: Uncertain significance. Last evaluated: 2024-05-02. Review status: criteria provided, single submitter. Criteria: ACMG Guidelines, 2015. Collection method: clinical testing. Allele origin: germline.

Ambry Genetics
Classification: Uncertain significance for Inborn genetic diseases. Last evaluated: 2023-07-19. Review status: criteria provided, single submitter. Criteria: Ambry Variant Classification Scheme 2023. Collection method: clinical testing. Allele origin: germline.